The following is an entry in ClinVar:

ClinVar aggregate classification (germline): Uncertain significance (1 of 4 stars; one submission).

Allele frequency attached by ClinVar (database versions not stated): gnomAD exomes below 0.00001; TOPMed below 0.00001.
gnomAD v4.1: 4 of 1,613,062 alleles (0.00025%); highest among the groups gnomAD compares: Admixed American, 0.0017%; no homozygotes.

Submission:

Labcorp Genetics (formerly Invitae), Labcorp
Classification: Uncertain significance. Last evaluated: 2022-07-30. Review status: criteria provided, single submitter. Criteria: Invitae Variant Classification Sherloc (09022015). Collection method: clinical testing. Allele origin: germline.
Comment: This sequence change replaces lysine, which is basic and polar, with arginine, which is basic and polar, at codon 23 of the EXOSC2 protein (p.Lys23Arg). This variant is present in population databases (no rsID available, gnomAD 0.003%). This variant has not been reported in the literature in individuals affected with EXOSC2-related conditions. Algorithms developed to predict the effect of missense changes on protein structure and function (SIFT, PolyPhen-2, Align-GVGD) all suggest that this variant is likely to be tolerated. In summary, the available evidence is currently insufficient to determine the role of this variant in disease. Therefore, it has been classified as a Variant of Uncertain Significance.

NM_014285.7(EXOSC2):c.68A>G (p.Lys23Arg)

Genes: EXOSC2 (exosome component 2; plus strand), LOC130002815 (ATAC-STARR-seq lymphoblastoid active region 29156; plus strand). Cytogenetic location: 9q34.12.
Variant type: single nucleotide variant.
Coding change: c.68A>G on transcript NM_014285.7 (MANE Select); coding-DNA position 68, A replaced by G.
Protein change: p.Lys23Arg; replaces lysine 23 with arginine.
Molecular consequence: missense variant. On other transcripts: non-coding transcript variant (1).
Genome position (GRCh38, 1-based): chr9:130,693,859, A>G. VCF-style: chr9-130693859-A-G. GRCh37 (hg19) VCF-style: chr9-133569246-A-G.
Other names: c.68A>G, p.Lys23Arg (NM_001282708.1, NM_001282709.1); short protein forms K23R.
Identifiers: ClinVar variation 1926802 (VCV001926802.2), dbSNP rs1483286566, ClinGen allele CA375245989.